The following is an entry in ClinVar:

NM_006329.4(FBLN5):c.787G>A (p.Val263Met)

Gene: FBLN5 (fibulin 5; minus strand). Cytogenetic location: 14q32.12.
Variant type: single nucleotide variant.
Coding change: c.787G>A on transcript NM_006329.4 (MANE Select); coding-DNA position 787, G replaced by A.
Protein change: p.Val263Met; replaces valine 263 with methionine.
Molecular consequence: missense variant.
Genome position (GRCh38, 1-based): chr14:91,883,029, C>T on the plus strand (G>A on the coding strand, the complement: FBLN5 is on the minus strand). VCF-style: chr14-91883029-C-T. GRCh37 (hg19) VCF-style: chr14-92349373-C-T.
Other names: c.910G>A, p.Val304Met (NM_001384158.1); c.838G>A, p.Val280Met (NM_001384159.1); c.787G>A, p.Val263Met (NM_001384160.1); c.619G>A, p.Val207Met (NM_001384161.1, NM_001384162.1); short protein forms V207M, V263M, V304M, V280M.
Identifiers: ClinVar variation 4743927 (VCV004743927.1).

ClinVar aggregate classification (germline): Uncertain significance (1 of 4 stars; one submission).

Submission:

Labcorp Genetics (formerly Invitae), Labcorp
Classification: Uncertain significance. Last evaluated: 2025-02-15. Review status: criteria provided, single submitter. Criteria: Invitae Variant Classification Sherloc (09022015). Collection method: clinical testing. Allele origin: germline.
Comment: This sequence change replaces valine, which is neutral and non-polar, with methionine, which is neutral and non-polar, at codon 263 of the FBLN5 protein (p.Val263Met). This variant is not present in population databases (gnomAD no frequency). This variant has not been reported in the literature in individuals affected with FBLN5-related conditions. Invitae Evidence Modeling of protein sequence and biophysical properties (such as structural, functional, and spatial information, amino acid conservation, physicochemical variation, residue mobility, and thermodynamic stability) indicates that this missense variant is not expected to disrupt FBLN5 protein function with a negative predictive value of 80%. In summary, the available evidence is currently insufficient to determine the role of this variant in disease. Therefore, it has been classified as a Variant of Uncertain Significance.